The following is an entry in ClinVar:

NM_014814.3(PSMD6):c.146-278_146-277insAAGA

Gene: PSMD6 (proteasome 26S subunit, non-ATPase 6; minus strand). Cytogenetic location: 3p14.1.
Variant type: Insertion.
Coding change: c.146-278_146-277insAAGA on transcript NM_014814.3 (MANE Select); 278 bases into the intron before coding-DNA position 146 through 277 bases into the intron before coding-DNA position 146, AAGA inserted.
Molecular consequence: intron variant. On other transcripts: frameshift variant (1).
Genome position: GRCh38 VCF-style: chr3-64022800-G-GTTCT. GRCh37 (hg19) VCF-style: chr3-64008476-G-GTTCT.
Other names: c.146_147insAGAA, p.Asn49fs (NM_001271779.2); c.32-278_32-277insAAGA (NM_001271780.2); c.29-278_29-277insAAGA (NM_001271781.2); short protein forms N49fs.
Identifiers: ClinVar variation 930281 (VCV000930281.3), dbSNP rs781156646, ClinGen allele CA2479344.

ClinVar aggregate classification (germline): Uncertain significance (1 of 4 stars; one submission).

Submission:

Centre for Mendelian Genomics, University Medical Centre Ljubljana
Classification: Uncertain significance. Last evaluated: 2020-03-14. Review status: criteria provided, single submitter. Criteria: ACMG Guidelines, 2015. Collection method: clinical testing. Allele origin: unknown. Affected: yes.
Comment: This variant was classified as: Uncertain significance. The available evidence on this variant's pathogenicity is insufficient or conflicting. The following ACMG criteria were applied in classifying this variant: PM2.